The following is an entry in ClinVar:

ClinVar aggregate classification (germline): Uncertain significance (1 of 4 stars; one submission).

Conditions:
Neuronal ceroid lipofuscinosis. Also called: Neuronal Ceroid Lipofuscinoses. Identifiers: Orphanet 216, Orphanet 79263, MedGen C0027877, MONDO:0016295. Disease mechanism: loss of function.

Allele frequency attached by ClinVar (database versions not stated): gnomAD exomes below 0.00001.
gnomAD v4.1: 1 of 1,613,086 alleles (0.000062%); highest among the groups gnomAD compares: Non-Finnish European, 0.000085%; no homozygotes.

Submission:

Labcorp Genetics (formerly Invitae), Labcorp
Classification: Uncertain significance for Neuronal ceroid lipofuscinosis. Last evaluated: 2022-06-13. Review status: criteria provided, single submitter. Criteria: Invitae Variant Classification Sherloc (09022015). Collection method: clinical testing. Allele origin: germline.
Comment: In summary, the available evidence is currently insufficient to determine the role of this variant in disease. Therefore, it has been classified as a Variant of Uncertain Significance. Algorithms developed to predict the effect of missense changes on protein structure and function (SIFT, PolyPhen-2, Align-GVGD) all suggest that this variant is likely to be tolerated. This variant has not been reported in the literature in individuals affected with DNAJC5-related conditions. This variant is not present in population databases (gnomAD no frequency). This sequence change replaces phenylalanine, which is neutral and non-polar, with leucine, which is neutral and non-polar, at codon 112 of the DNAJC5 protein (p.Phe112Leu).

NM_025219.3(DNAJC5):c.334T>C (p.Phe112Leu)

Gene: DNAJC5 (DnaJ heat shock protein family (Hsp40) member C5; plus strand). Cytogenetic location: 20q13.33.
Variant type: single nucleotide variant.
Coding change: c.334T>C on transcript NM_025219.3 (MANE Select); coding-DNA position 334, T replaced by C.
Protein change: p.Phe112Leu; replaces phenylalanine 112 with leucine.
Molecular consequence: missense variant.
Genome position (GRCh38, 1-based): chr20:63,930,863, T>C. VCF-style: chr20-63930863-T-C. GRCh37 (hg19) VCF-style: chr20-62562216-T-C.
Other names: short protein forms F112L.
Identifiers: ClinVar variation 2005528 (VCV002005528.4), dbSNP rs2516801514, ClinGen allele CA409718409.